The following is an entry in ClinVar:

ClinVar aggregate classification (germline): Pathogenic/Likely pathogenic. Review status: criteria provided, multiple submitters, no conflicts (2 of 4 stars). 14 submissions from 13 submitters: Pathogenic (11); Likely pathogenic (1). 2 of the submissions do not count toward it. Last evaluated 2026-01-18.

Conditions:
NF1-related disorder. Also called: NF1-related condition. Identifiers: MedGen CN379171.
Hereditary cancer-predisposing syndrome. Also called: Neoplastic Syndromes, Hereditary; Tumor predisposition; Hereditary Cancer Syndrome; Hereditary neoplastic syndrome. Identifiers: Orphanet 140162, MedGen C0027672, MeSH D009386, MONDO:0015356.
Cardiovascular phenotype. Identifiers: MedGen CN230736.
Neurofibromatosis, type 1 (NF1). Also called: Peripheral type neurofibromatosis; NEUROFIBROMATOSIS, TYPE I, SOMATIC; VON RECKLINGHAUSEN DISEASE; Neurofibromatosis, type I. Identifiers: Orphanet 636, MedGen C0027831, MONDO:0018975, OMIM 162200. Disease mechanism: loss of function.
Juvenile myelomonocytic leukemia (JMML). Also called: LEUKEMIA, JUVENILE MYELOMONOCYTIC, SOMATIC. Identifiers: Orphanet 86834, MedGen C0349639, MONDO:0011908, OMIM 607785, HP:0012209.
Neurofibromatosis, familial spinal (FSNF). Identifiers: Orphanet 636, MedGen C1834235, MONDO:0008078, OMIM 162210. Disease mechanism: loss of function.

Submissions (14):

Labcorp Genetics (formerly Invitae), Labcorp
Classification: Pathogenic for Neurofibromatosis, type 1. Last evaluated: 2026-01-18. Review status: criteria provided, single submitter. Criteria: Invitae Variant Classification Sherloc (09022015). Collection method: clinical testing. Allele origin: germline.
Comment: This sequence change falls in intron 39 of the NF1 gene. It does not directly change the encoded amino acid sequence of the NF1 protein. RNA analysis indicates that this variant induces altered splicing and may result in an absent or altered protein product. This variant is not present in population databases (gnomAD no frequency). This variant has been observed in individuals with neurofibromatosis type 1 and/or NF1-related conditions (PMID: 7981692, 10712197, 11704931, 18546366, 24789688; internal data). It has also been observed to segregate with disease in related individuals. Invitae Evidence Modeling of clinical and family history, age, sex, and reported ancestry of multiple individuals with this NF1 variant has been performed. This variant is expected to be pathogenic with a positive predictive value of at least 99%. This is a validated machine learning model that incorporates the clinical features of 1,785,918 individuals referred to our laboratory for NF1 testing. ClinVar contains an entry for this variant (Variation ID: 359). Studies have shown that this variant results in activation of a cryptic splice site, and produces a non-functional protein and/or introduces a premature termination codon (PMID: 7981692, 11704931). For these reasons, this variant has been classified as Pathogenic.

CeGaT Center for Human Genetics Tuebingen
Classification: Pathogenic. Last evaluated: 2025-10-01. Review status: criteria provided, single submitter. Criteria: CeGaT Center For Human Genetics Tuebingen Variant Classification Criteria Version 2. Collection method: clinical testing. Allele origin: germline. Affected: yes. Observed: 1 variant allele.
Comment: NF1: PS4, PM2, PS3:Moderate, PP3, PP4

3billion
Classification: Likely pathogenic for Neurofibromatosis, type 1. Last evaluated: 2025-06-26. Review status: criteria provided, single submitter. Criteria: ACMG Guidelines, 2015. Collection method: clinical testing. Allele origin: germline. Affected: yes.
Comment: The variant is not observed in the gnomAD v4.1.0 dataset. Predicted Consequence/Location: Intron variant In silico tools predict the variant to alter splicing and produce an abnormal transcript [SpliceAI: 1.00 (>=0.2, moderate evidence for spliceogenicity)]. The variant has been reported at least twice as pathogenic with clinical assertions and evidence for the classification (ClinVar ID: VCV000000359 /PMID: 7981692). Therefore, this variant is classified as Likely pathogenic according to the recommendation of ACMG/AMP guideline.

Institute for Genomic Medicine (IGM) Clinical Laboratory, Nationwide Children's Hospital
Classification: Pathogenic for Neurofibromatosis, type 1. Last evaluated: 2025-05-01. Review status: criteria provided, single submitter. Criteria: ACMG Guidelines, 2015. Collection method: clinical testing. Allele origin: germline.
Comment: Well-established functional studies have demonstrated this variant to have a damaging effect on protein function or splicing (ACMG/AMP: PS3_Moderate; PMIDs:7981692, 11704931). This variant has been reported at an elevated frequency in affected individuals/in multiple affected individuals in the literature (ACMG/AMP: PS4; PMIDs:7981692, 11704931, 24789688, 10712197, 18546366). This variant is absent from or present at an exceedingly low frequency in gnomAD, a large-scale control population database (ACMG/AMP: PM2). This variant has been shown to segregate with disease in multiple affected family members (ACMG/AMP: PP1; PMIDs:7981692, 11704931). This variant is predicted to alter protein function or structure, or disrupt splicing by multiple in silico tools (ACMG/AMP: PP3).

GeneDx
Classification: Pathogenic. Last evaluated: 2024-04-25. Review status: criteria provided, single submitter. Criteria: GeneDx Variant Classification Process June 2021. Collection method: clinical testing. Allele origin: germline. Affected: yes.
Comment: Non-canonical splice site variant demonstrated to result in aberrant splicing leading to a null allele in a gene for which loss-of-function is a known mechanism of disease (PMID: 11704931, 18546366, 24789688, 31370276, 32126153); Not observed at significant frequency in large population cohorts (gnomAD); This variant is associated with the following publications: (PMID: 7981692, 10712197, 32126153, 14569132, 11704931, 18546366, 24789688, 19221814, 31370276, 7542886, 37090834, 33919865)

Baylor Genetics
Classification: Pathogenic for Juvenile myelomonocytic leukemia. Last evaluated: 2023-12-15. Review status: criteria provided, single submitter. Criteria: ACMG Guidelines, 2015. Collection method: clinical testing. Allele origin: unknown.

Blueprint Genetics
Classification: Pathogenic for NF1-related disorders. Last evaluated: 2023-07-07. Review status: criteria provided, single submitter. Criteria: ACMG Guidelines, 2015. Collection method: clinical testing. Allele origin: germline. Affected: yes. Observed: 1 variant allele.

Genome-Nilou Lab
Classification: Pathogenic for Neurofibromatosis, type 1. Last evaluated: 2022-03-15. Review status: criteria provided, single submitter. Criteria: ACMG Guidelines, 2015. Collection method: clinical testing. Allele origin: germline. Affected: no.

Ambry Genetics
Classification: Pathogenic for Cardiovascular phenotype; Hereditary cancer-predisposing syndrome. Last evaluated: 2021-01-04. Review status: criteria provided, single submitter. Criteria: Ambry General Variant Classification Scheme_2022. Collection method: clinical testing. Allele origin: germline. Observed: 1 variant allele.
Comment: The c.5944-5A>G intronic pathogenic mutation results from an A to G substitution 5 nucleotides upstream from coding exon 40 in the NF1 gene. This mutation has been reported in several individuals with a clinical or suspected diagnosis of neurofibromatosis type 1 (Ainsworth P et al. Hum Mol Genet, 1994 Jul;3:1179-81; Fahsold R et al. Am J Hum Genet, 2000 Mar;66:790-818; Kaufmann D et al. Am J Hum Genet, 2001 Dec;69:1395-400; Xu W et al. Int J Mol Med, 2014 Jul;34:53-60). In addition, this alteration results in the insertion of four nucleotides between NF1 exons 39 and 40, leading to creation of a premature stop codon (Ainsworth P et al. Hum Mol Genet, 1994 Jul;3:1179-81; Kaufmann D et al. Am J Hum Genet, 2001 Dec;69:1395-400; Xu W et al. Int J Mol Med, 2014 Jul;34:53-60; Ambry internal data). This variant was not reported in population-based cohorts in the Genome Aggregation Database (gnomAD). Based on the supporting evidence, this alteration is interpreted as a disease-causing mutation.

Genome Diagnostics Laboratory, The Hospital for Sick Children
Classification: Pathogenic for Neurofibromatosis, type 1. Last evaluated: 2020-10-26. Review status: criteria provided, single submitter. Criteria: ACMG Guidelines, 2015. Collection method: clinical testing. Allele origin: germline. Affected: yes.

UAB Medical Genomics Laboratory, UAB Medicine
Classification: Pathogenic for Neurofibromatosis, type 1. Last evaluated: 2020-01-20. Review status: criteria provided, single submitter. Criteria: ACMG Guidelines, 2015. Collection method: clinical testing. Allele origin: germline. Affected: yes.

Center for Human Genetics, Inc
Classification: Pathogenic for Neurofibromatosis, type 1. Last evaluated: 2016-11-01. Review status: criteria provided, single submitter. Criteria: ACMG Guidelines, 2015. Collection method: clinical testing. Allele origin: germline. Affected: yes.

OMIM
Classification: Pathogenic for NEUROFIBROMATOSIS, TYPE I. Last evaluated: 2001-12-01. Review status: no assertion criteria provided. Collection method: literature only. Allele origin: germline. Not counted in ClinVar's aggregate classification.

OMIM
Classification: Pathogenic for NEUROFIBROMATOSIS, FAMILIAL SPINAL. Last evaluated: 2001-12-01. Review status: no assertion criteria provided. Collection method: literature only. Allele origin: germline. Not counted in ClinVar's aggregate classification.

Literature cited by the submitters: PubMed 7981692 (cited by 4 submitters); PubMed 10712197 (cited by 4 submitters); PubMed 11704931 (cited by 4 submitters); PubMed 18546366 (cited by Labcorp Genetics (formerly Invitae), Labcorp and Institute for Genomic Medicine (IGM) Clinical Laboratory, Nationwide Children's Hospital); PubMed 24789688 (cited by 3 submitters); PubMed 32126153 (cited by UAB Medical Genomics Laboratory, UAB Medicine).

NM_001042492.3(NF1):c.6007-5A>G

Gene: NF1 (neurofibromin 1; plus strand). Cytogenetic location: 17q11.2.
Variant type: single nucleotide variant.
Coding change: c.6007-5A>G on transcript NM_001042492.3 (MANE Select); 5 bases into the intron before coding-DNA position 6007, A replaced by G.
Molecular consequence: intron variant.
Genome position (GRCh38, 1-based): chr17:31,336,328, A>G. VCF-style: chr17-31336328-A-G. GRCh37 (hg19) VCF-style: chr17-29663346-A-G.
Other names: IVS31AS, A-G, -5; c.5944-5A>G (NM_000267.4).
Identifiers: ClinVar variation 359 (VCV000000359.29), dbSNP rs267606604, ClinGen allele CA212551.